The following is an entry in ClinVar:

ClinVar aggregate classification (germline): Uncertain significance (1 of 4 stars; one submission).

Submission:

Labcorp Genetics (formerly Invitae), Labcorp
Classification: Uncertain significance. Last evaluated: 2022-03-11. Review status: criteria provided, single submitter. Criteria: Invitae Variant Classification Sherloc (09022015). Collection method: clinical testing. Allele origin: germline.
Comment: Information on the frequency of this variant in the gnomAD database is not available, as this variant may be reported differently in the database. In summary, the available evidence is currently insufficient to determine the role of this variant in disease. Therefore, it has been classified as a Variant of Uncertain Significance. Algorithms developed to predict the effect of missense changes on protein structure and function are either unavailable or do not agree on the potential impact of this missense change (SIFT: "Not Available"; PolyPhen-2: "Possibly Damaging"; Align-GVGD: "Not Available"). This variant has not been reported in the literature in individuals affected with COQ2-related conditions. This sequence change replaces histidine, which is basic and polar, with serine, which is neutral and polar, at codon 363 of the COQ2 protein (p.His363Ser).

NM_001358921.2(COQ2):c.937_938delinsAG (p.His313Ser)

Gene: COQ2 (coenzyme Q2, polyprenyltransferase; minus strand). Cytogenetic location: 4q21.23.
Variant type: Indel.
Coding change: c.937_938delinsAG on transcript NM_001358921.2 (MANE Select); coding-DNA positions 937 to 938, CA replaced by AG.
Protein change: p.His313Ser; replaces histidine 313 with serine.
Molecular consequence: missense variant.
Genome position (GRCh38, 1-based): chr4:83,267,599-83,267,600, TG replaced by CT on the plus strand (CA replaced by AG on the coding strand, the reverse complement: COQ2 is on the minus strand). VCF-style: chr4-83267599-TG-CT. GRCh37 (hg19) VCF-style: chr4-84188752-TG-CT.
Other names: c.1087_1088delinsAG, p.His363Ser (NM_015697.9); short protein forms H313S, H363S.
Identifiers: ClinVar variation 2050978 (VCV002050978.4), dbSNP rs2529752779, ClinGen allele CA2580071837.